The following is an entry in ClinVar:

NM_001365088.1(SLC12A6):c.2929_2932delinsAGT (p.Glu977fs)

Gene: SLC12A6 (solute carrier family 12 member 6; minus strand). Cytogenetic location: 15q14.
Variant type: Indel.
Coding change: c.2929_2932delinsAGT on transcript NM_001365088.1 (MANE Select); coding-DNA positions 2929 to 2932, GAGA replaced by AGT.
Protein change: p.Glu977fs; shifts the reading frame from glutamic acid 977.
Molecular consequence: frameshift variant.
Genome position (GRCh38, 1-based): chr15:34,237,421-34,237,424, TCTC replaced by ACT on the plus strand (GAGA replaced by AGT on the coding strand, the reverse complement: SLC12A6 is on the minus strand). VCF-style: chr15-34237421-TCTC-ACT. GRCh37 (hg19) VCF-style: chr15-34529622-TCTC-ACT.
Other names: c.2929_2932delinsAGT, p.Glu977fs (NM_133647.2); c.2752_2755delinsAGT, p.Glu918fs (NM_001042494.2, NM_001042495.2); c.2902_2905delinsAGT, p.Glu968fs (NM_001042496.2); c.2884_2887delinsAGT, p.Glu962fs (NM_001042497.2); c.2776_2779delinsAGT, p.Glu926fs (NM_005135.2); short protein forms E918fs, E926fs, E962fs, E968fs, E977fs.
Identifiers: ClinVar variation 1726327 (VCV001726327.2), dbSNP rs2509749812, ClinGen allele CA2580089269.

ClinVar aggregate classification (germline): Likely pathogenic (1 of 4 stars; one submission).

Conditions:
Agenesis of the corpus callosum with peripheral neuropathy (ACCPN). Also called: CHARLEVOIX DISEASE; POLYNEUROPATHY, SENSORIMOTOR, WITH OR WITHOUT AGENESIS OF THE CORPUS CALLOSUM; HMSN/ACC; Hereditary Motor and Sensory Neuropathy with Agenesis of the Corpus Callosum. Identifiers: Orphanet 1496, MedGen C0795950, MONDO:0000902, OMIM 218000. Disease mechanism: loss of function.

Submission:

Myriad Genetics, Inc.
Classification: Likely pathogenic for Agenesis of the corpus callosum with peripheral neuropathy. Last evaluated: 2021-12-16. Review status: criteria provided, single submitter. Criteria: Myriad Women's Health Autosomal Recessive and X-Linked Classification Criteria (2021). Collection method: clinical testing. Allele origin: unknown.
Comment: NM_133647.1(SLC12A6):c.2929_2932delGAGAinsAGT(E977Sfs*16) is expected to be pathogenic in the context of Andermann syndrome. This variant is predicted to lead to an abnormal or absent protein product due to the creation of a premature termination codon in SLC12A6, a gene where loss-of-function variants are known to be pathogenic. Please note: this variant was assessed in the context of healthy population screening.